The following is an entry in ClinVar:

ClinVar aggregate classification (germline): Uncertain significance (1 of 4 stars; one submission).

Submission:

CeGaT Center for Human Genetics Tuebingen
Classification: Uncertain significance. Last evaluated: 2022-07-01. Review status: criteria provided, single submitter. Criteria: CeGaT Center For Human Genetics Tuebingen Variant Classification Criteria Version 2. Collection method: clinical testing. Allele origin: germline. Affected: yes. Observed: 1 variant allele.
Comment: IQSEC2: PM2, PP2

NM_001111125.3(IQSEC2):c.1819A>C (p.Ser607Arg)

Gene: IQSEC2 (IQ motif and Sec7 domain ArfGEF 2; minus strand). Cytogenetic location: Xp11.22.
Variant type: single nucleotide variant.
Coding change: c.1819A>C on transcript NM_001111125.3 (MANE Select); coding-DNA position 1819, A replaced by C.
Protein change: p.Ser607Arg; replaces serine 607 with arginine.
Molecular consequence: missense variant.
Genome position (GRCh38, 1-based): chrX:53,250,757, T>G on the plus strand (A>C on the coding strand, the complement: IQSEC2 is on the minus strand). VCF-style: chrX-53250757-T-G. GRCh37 (hg19) VCF-style: chrX-53279939-T-G.
Other names: c.1819A>C, p.Ser607Arg (NM_001410736.1); c.1204A>C, p.Ser402Arg (NM_015075.2); short protein forms S402R, S607R.
Identifiers: ClinVar variation 2660602 (VCV002660602.24), dbSNP rs2519803747, ClinGen allele CA413163424.
Genomic context (GRCh38, chrX:53,250,757, plus strand): 5'-TGCAGCCATCAGCCTCATACACCAGCTGGCGGTGGACAGAGCCGCGATCTGAGCGGTCAC[T>G]CAGGTCCACGGAGCTGTCACTAGGAGGCTCAATGGTAAGCAGGGGAAGGTGGGCAGCCCG-3'
Protein context (NP_001104595.1, residues 597-617): EPPSDSSVDL[Ser607Arg]DRSDRGSVHR